The following is an entry in ClinVar:

ClinVar aggregate classification (germline): Uncertain significance (1 of 4 stars; one submission).

Submission:

GeneDx
Classification: Uncertain significance. Last evaluated: 2025-08-04. Review status: criteria provided, single submitter. Criteria: GeneDx Variant Classification Process June 2021. Collection method: clinical testing. Allele origin: germline. Affected: yes.
Comment: Not observed at significant frequency in large population cohorts (gnomAD); In silico analysis supports a deleterious effect on splicing; Has not been previously published as pathogenic or benign to our knowledge

NM_012154.5(AGO2):c.1839+6T>A

Gene: AGO2 (argonaute RISC catalytic component 2; minus strand). Cytogenetic location: 8q24.3.
Variant type: single nucleotide variant.
Coding change: c.1839+6T>A on transcript NM_012154.5 (MANE Select); 6 bases into the intron after coding-DNA position 1839, T replaced by A.
Molecular consequence: intron variant.
Genome position (GRCh38, 1-based): chr8:140,544,207, A>T on the plus strand (T>A on the coding strand, the complement: AGO2 is on the minus strand). VCF-style: chr8-140544207-A-T. GRCh37 (hg19) VCF-style: chr8-141554306-A-T.
Other names: c.1839+6T>A (NM_001164623.3).
Identifiers: ClinVar variation 3602272 (VCV003602272.2).